The following is an entry in ClinVar:

ClinVar aggregate classification (germline): Likely pathogenic (1 of 4 stars; one submission).

Conditions:
Kabuki syndrome 1 (KABUK1). Also called: KMT2D-Related Kabuki Syndrome. Identifiers: Orphanet 2322, MedGen CN030661, MONDO:0007843, OMIM 147920.

Submission:

Pele Pequeno Principe Research Institute, Faculdades Pequeno Principe
Classification: Likely pathogenic for Kabuki syndrome 1. Last evaluated: 2025-12-01. Review status: criteria provided, single submitter. Criteria: ACMG Guidelines, 2015. Collection method: research. Allele origin: germline. Inheritance: Autosomal dominant inheritance. Affected: yes. Observed: 1 heterozygote.
Comment: The KMT2D:c.C10615G:p.R3539G (GRCh38 - chr12:49034192 G>C) variant consists of a single-nucleotide substitution of a cytosine (C) to a guanine (G), resulting in the predicted protein change (p.R3539G). According to the Genome Aggregation Database (gnomAD), this variant is absent from population datasets (PM2). The variant is located in a mutational hot spot and/or well-established functional domain in which established pathogenic variants have been reported (PMID: 31949313) (PM1). A different amino acid change is a known pathogenic variant (c.10615C>T ClinVar: 2500777/VCV002500777.2) (PM5). Family segregation revealed that the variant is de novo, with phenotypic consistency, no family history and both maternity and paternity assumed (PM6). Based on the collective evidence, the c.C10615G variant is classified as likely pathogenic for Kabuki syndrome.

Literature cited by the submitters: PubMed 31949313.

NM_003482.4(KMT2D):c.10615C>G (p.Arg3539Gly)

Gene: KMT2D (lysine methyltransferase 2D; minus strand). Cytogenetic location: 12q13.12.
Variant type: single nucleotide variant.
Coding change: c.10615C>G on transcript NM_003482.4 (MANE Select); coding-DNA position 10615, C replaced by G.
Protein change: p.Arg3539Gly; replaces arginine 3539 with glycine.
Molecular consequence: missense variant.
Genome position (GRCh38, 1-based): chr12:49,034,192, G>C on the plus strand (C>G on the coding strand, the complement: KMT2D is on the minus strand). VCF-style: chr12-49034192-G-C. GRCh37 (hg19) VCF-style: chr12-49427975-G-C.
Other names: short protein forms R3539G.
Identifiers: ClinVar variation 4537380 (VCV004537380.1).